The following is an entry in ClinVar:

ClinVar aggregate classification (germline): Uncertain significance (1 of 4 stars; one submission).

Submission:

Ambry Genetics
Classification: Uncertain significance. Last evaluated: 2021-11-17. Review status: criteria provided, single submitter. Criteria: Ambry Variant Classification Scheme 2023. Collection method: clinical testing. Allele origin: germline.
Comment: The p.L513F variant (also known as c.1539G>T), located in coding exon 12 of the RECQL gene, results from a G to T substitution at nucleotide position 1539. The leucine at codon 513 is replaced by phenylalanine, an amino acid with highly similar properties. This amino acid position is conserved. In addition, this alteration is predicted to be tolerated by in silico analysis. Since supporting evidence is limited at this time, the clinical significance of this alteration remains unclear.

NM_002907.4(RECQL):c.1539G>T (p.Leu513Phe)

Gene: RECQL (RecQ like helicase; minus strand). Cytogenetic location: 12p12.1.
Variant type: single nucleotide variant.
Coding change: c.1539G>T on transcript NM_002907.4 (MANE Select); coding-DNA position 1539, G replaced by T.
Protein change: p.Leu513Phe; replaces leucine 513 with phenylalanine.
Molecular consequence: missense variant.
Genome position (GRCh38, 1-based): chr12:21,471,556, C>A on the plus strand (G>T on the coding strand, the complement: RECQL is on the minus strand). VCF-style: chr12-21471556-C-A. GRCh37 (hg19) VCF-style: chr12-21624490-C-A.
Other names: c.1539G>T, p.Leu513Phe (NM_032941.3); short protein forms L513F.
Identifiers: ClinVar variation 1774780 (VCV001774780.2), dbSNP rs1591967911, ClinGen allele CA384116195.